The following is an entry in ClinVar:

ClinVar aggregate classification (germline): Pathogenic (1 of 4 stars; one submission).

Conditions:
Familial focal epilepsy with variable foci (FPEVF). Identifiers: Orphanet 98820, MedGen C1858477, MONDO:0020310.

Submission:

Labcorp Genetics (formerly Invitae), Labcorp
Classification: Pathogenic for Familial focal epilepsy with variable foci. Last evaluated: 2022-12-02. Review status: criteria provided, single submitter. Criteria: Invitae Variant Classification Sherloc (09022015). Collection method: clinical testing. Allele origin: germline.
Comment: For these reasons, this variant has been classified as Pathogenic. ClinVar contains an entry for this variant (Variation ID: 1069249). This variant has not been reported in the literature in individuals affected with DEPDC5-related conditions. This variant is not present in population databases (gnomAD no frequency). This sequence change creates a premature translational stop signal (p.Leu53Cysfs*21) in the DEPDC5 gene. It is expected to result in an absent or disrupted protein product. Loss-of-function variants in DEPDC5 are known to be pathogenic (PMID: 23542697, 23542701).

Literature cited by the submitters: PubMed 23542697; PubMed 23542701.

NM_001242896.3(DEPDC5):c.158del (p.Leu53fs)

Gene: DEPDC5 (DEP domain containing 5, GATOR1 subcomplex subunit; plus strand). Cytogenetic location: 22q12.2.
Variant type: Deletion.
Coding change: c.158del on transcript NM_001242896.3 (MANE Select); coding-DNA position 158, one base deleted (T; older notation c.158delT).
Protein change: p.Leu53fs; shifts the reading frame from leucine 53.
Molecular consequence: frameshift variant. On other transcripts: non-coding transcript variant (5).
Genome position (GRCh38, 1-based): chr22:31,760,667, T deleted; the last of 4 consecutive T bases (chr22:31,760,664-31,760,667); deleting any one gives the same sequence. VCF-style (leftmost placement, unchanged base first): chr22-31760663-CT-C. GRCh37 (hg19) VCF-style: chr22-32156649-CT-C.
Other names: c.158del, p.Leu53fs (NM_001007188.4, NM_001136029.4, NM_001242897.2 and 9 more transcripts); short protein forms L53fs.
Identifiers: ClinVar variation 1069249 (VCV001069249.7), dbSNP rs2148027425, ClinGen allele CA2499226147.